The following is an entry in ClinVar:

NM_000051.4(ATM):c.3724A>C (p.Thr1242Pro)

Gene: ATM (ATM serine/threonine kinase; plus strand). Cytogenetic location: 11q22.3.
Variant type: single nucleotide variant.
Coding change: c.3724A>C on transcript NM_000051.4 (MANE Select); coding-DNA position 3724, A replaced by C.
Protein change: p.Thr1242Pro; replaces threonine 1242 with proline.
Molecular consequence: missense variant.
Genome position (GRCh38, 1-based): chr11:108,282,857, A>C. VCF-style: chr11-108282857-A-C. GRCh37 (hg19) VCF-style: chr11-108153584-A-C.
Other names: c.3724A>C, p.Thr1242Pro (NM_001351834.2); short protein forms T1242P.
Identifiers: ClinVar variation 4169793 (VCV004169793.1).

ClinVar aggregate classification (germline): Uncertain significance (1 of 4 stars; one submission).

Conditions:
Hereditary cancer-predisposing syndrome. Also called: Neoplastic Syndromes, Hereditary; Tumor predisposition; Hereditary Cancer Syndrome; Hereditary neoplastic syndrome. Identifiers: Orphanet 140162, MedGen C0027672, MeSH D009386, MONDO:0015356.

Submission:

Ambry Genetics
Classification: Uncertain significance for Hereditary cancer-predisposing syndrome. Last evaluated: 2025-08-01. Review status: criteria provided, single submitter. Criteria: Ambry Variant Classification Scheme 2023. Collection method: clinical testing. Allele origin: germline.
Comment: The p.T1242P variant (also known as c.3724A>C), located in coding exon 24 of the ATM gene, results from an A to C substitution at nucleotide position 3724. The threonine at codon 1242 is replaced by proline, an amino acid with highly similar properties. This amino acid position is conserved. In addition, this alteration is predicted to be tolerated by in silico analysis. Based on the available evidence, the clinical significance of this variant remains unclear.